The following is an entry in ClinVar:

ClinVar aggregate classification (germline): Likely benign. Review status: criteria provided, single submitter (1 of 4 stars). 2 submissions from 2 submitters: Likely benign (1). 1 of the submissions does not count toward it. Last evaluated 2024-11-18.

Conditions:
PHIP-related disorder. Also called: PHIP-related condition; PHIP-related disorders.

Allele frequency attached by ClinVar (database versions not stated): gnomAD 0.00001; ExAC 0.00002; TOPMed 0.00003.
gnomAD v4.1: 32 of 1,584,176 alleles (0.002%); highest among the groups gnomAD compares: Non-Finnish European, 0.0024%; no homozygotes.

Submissions (2):

Labcorp Genetics (formerly Invitae), Labcorp
Classification: Likely benign. Last evaluated: 2024-11-18. Review status: criteria provided, single submitter. Criteria: Invitae Variant Classification Sherloc (09022015). Collection method: clinical testing. Allele origin: germline.

PreventionGenetics, part of Exact Sciences
Classification: Uncertain significance for PHIP-related condition. Last evaluated: 2024-04-09. Review status: no assertion criteria provided. Collection method: clinical testing. Allele origin: germline. Not counted in ClinVar's aggregate classification.
Comment: The PHIP c.3949G>A variant is predicted to result in the amino acid substitution p.Asp1317Asn. To our knowledge, this variant has not been reported in the literature. This variant is reported in 0.00093% of alleles in individuals of European (Non-Finnish) descent in gnomAD. At this time, the clinical significance of this variant is uncertain due to the absence of conclusive functional and genetic evidence.

NM_017934.7(PHIP):c.3949G>A (p.Asp1317Asn)

Genes: IRAK1BP1 (interleukin 1 receptor associated kinase 1 binding protein 1; plus strand), PHIP (PHIP subunit of CUL4-Ring ligase complex; minus strand). Cytogenetic location: 6q14.1.
Variant type: single nucleotide variant.
Coding change: c.3949G>A on transcript NM_017934.7 (MANE Select); coding-DNA position 3949, G replaced by A.
Protein change: p.Asp1317Asn; replaces aspartic acid 1317 with asparagine.
Molecular consequence: missense variant.
Genome position (GRCh38, 1-based): chr6:78,954,918, C>T on the plus strand (G>A on the coding strand, the complement: PHIP is on the minus strand). VCF-style: chr6-78954918-C-T. GRCh37 (hg19) VCF-style: chr6-79664635-C-T.
Other names: c.3949G>A (NM_017934.6); short protein forms D1317N.
Identifiers: ClinVar variation 2728102 (VCV002728102.4), dbSNP rs747145278, ClinGen allele CA3899551.
Genomic context (GRCh38, chr6:78,954,918, plus strand): 5'-CTTCACATTGAAATATGAGATTTAACAATTCTTCACACTGTTTCTTCCATGCTTGAATAT[C>T]GTAAGACTGGGCTCTATTACGTAATCTTCTTCTAGGCTGATGGTCCTGTGATAAAAGTGT-3'
Protein context (NP_060404.4, residues 1307-1327): RRLRNRAQSY[Asp1317Asn]IQAWKKQCEE